The following is an entry in ClinVar:

ClinVar aggregate classification (germline): Uncertain significance (1 of 4 stars; one submission).

Conditions:
Familial adenomatous polyposis 1 (FAP1). Also called: POLYPOSIS, ADENOMATOUS INTESTINAL; FAMILIAL ADENOMATOUS POLYPOSIS 1, ATTENUATED. Identifiers: MedGen C2713442, MONDO:0021056, OMIM 175100. Disease mechanism: loss of function.

Submission:

Labcorp Genetics (formerly Invitae), Labcorp
Classification: Uncertain significance for Familial adenomatous polyposis 1. Last evaluated: 2022-02-01. Review status: criteria provided, single submitter. Criteria: Invitae Variant Classification Sherloc (09022015). Collection method: clinical testing. Allele origin: germline.
Comment: In summary, the available evidence is currently insufficient to determine the role of this variant in disease. Therefore, it has been classified as a Variant of Uncertain Significance. Algorithms developed to predict the effect of missense changes on protein structure and function (SIFT, PolyPhen-2, Align-GVGD) all suggest that this variant is likely to be tolerated. This variant has not been reported in the literature in individuals affected with APC-related conditions. This variant is not present in population databases (gnomAD no frequency). This sequence change replaces glutamic acid, which is acidic and polar, with lysine, which is basic and polar, at codon 1132 of the APC protein (p.Glu1132Lys).

NM_000038.6(APC):c.3394G>A (p.Glu1132Lys)

Gene: APC (APC regulator of Wnt signaling pathway; plus strand). Cytogenetic location: 5q22.2.
Variant type: single nucleotide variant.
Coding change: c.3394G>A on transcript NM_000038.6 (MANE Select); coding-DNA position 3394, G replaced by A.
Protein change: p.Glu1132Lys; replaces glutamic acid 1132 with lysine.
Molecular consequence: missense variant.
Genome position (GRCh38, 1-based): chr5:112,838,988, G>A. VCF-style: chr5-112838988-G-A. GRCh37 (hg19) VCF-style: chr5-112174685-G-A.
Other names: c.3394G>A, p.Glu1132Lys (NM_001127510.3, NM_001354895.2, NM_001407450.1); c.3340G>A, p.Glu1114Lys (NM_001127511.3); c.3448G>A, p.Glu1150Lys (NM_001354896.2, NM_001407447.1, NM_001407448.1 and 1 more transcripts); c.3424G>A, p.Glu1142Lys (NM_001354897.2); c.3319G>A, p.Glu1107Lys (NM_001354898.2); c.3310G>A, p.Glu1104Lys (NM_001354899.2); c.3271G>A, p.Glu1091Lys (NM_001354900.2); c.3217G>A, p.Glu1073Lys (NM_001354901.2, NM_001407453.1); and 11 more; short protein forms E1003K, E1006K, E1104K, E1107K, E1125K, E1132K, E1142K, E972K.
Identifiers: ClinVar variation 2091675 (VCV002091675.4), dbSNP rs1765413476, ClinGen allele CA16028768.